The following is an entry in ClinVar:

ClinVar aggregate classification (germline): Uncertain significance (1 of 4 stars; one submission).

Conditions:
Familial cold autoinflammatory syndrome 3 (FCAS3). Also called: FAMILIAL ATYPICAL COLD URTICARIA; ANTIBODY DEFICIENCY AND IMMUNE DYSREGULATION, PLCG2-ASSOCIATED. Identifiers: Orphanet 300359, MedGen C3280914, MONDO:0013766, OMIM 614468.

Submission:

Labcorp Genetics (formerly Invitae), Labcorp
Classification: Uncertain significance for Familial cold autoinflammatory syndrome 3. Last evaluated: 2024-12-23. Review status: criteria provided, single submitter. Criteria: Invitae Variant Classification Sherloc (09022015). Collection method: clinical testing. Allele origin: germline.
Comment: This sequence change replaces proline, which is neutral and non-polar, with arginine, which is basic and polar, at codon 640 of the PLCG2 protein (p.Pro640Arg). This variant is not present in population databases (gnomAD no frequency). This variant has not been reported in the literature in individuals affected with PLCG2-related conditions. An algorithm developed to predict the effect of missense changes on protein structure and function (PolyPhen-2) suggests that this variant is likely to be disruptive. In summary, the available evidence is currently insufficient to determine the role of this variant in disease. Therefore, it has been classified as a Variant of Uncertain Significance.

NM_002661.5(PLCG2):c.1919C>G (p.Pro640Arg)

Gene: PLCG2 (phospholipase C gamma 2; plus strand). Cytogenetic location: 16q23.3.
Variant type: single nucleotide variant.
Coding change: c.1919C>G on transcript NM_002661.5 (MANE Select); coding-DNA position 1919, C replaced by G.
Protein change: p.Pro640Arg; replaces proline 640 with arginine.
Molecular consequence: missense variant.
Genome position (GRCh38, 1-based): chr16:81,910,705, C>G. VCF-style: chr16-81910705-C-G. GRCh37 (hg19) VCF-style: chr16-81944310-C-G.
Other names: c.1919C>G, p.Pro640Arg (NM_001425749.1, NM_001425750.1, NM_001425751.1); short protein forms P640R.
Identifiers: ClinVar variation 3727886 (VCV003727886.2).